The following is an entry in ClinVar:

NM_172070.4(UBR3):c.4845A>G (p.Leu1615=)

Gene: UBR3 (ubiquitin protein ligase E3 component n-recognin 3; plus strand). Cytogenetic location: 2q31.1.
Variant type: single nucleotide variant.
Coding change: c.4845A>G on transcript NM_172070.4 (MANE Select); coding-DNA position 4845, A replaced by G.
Protein change: p.Leu1615=; no amino-acid change (leucine 1615 retained).
Molecular consequence: synonymous variant.
Genome position (GRCh38, 1-based): chr2:170,061,138, A>G. VCF-style: chr2-170061138-A-G. GRCh37 (hg19) VCF-style: chr2-170917648-A-G.
Identifiers: ClinVar variation 3060985 (VCV003060985.2), dbSNP rs10203212, ClinGen allele CA1960423.
Genomic context (GRCh38, chr2:170,061,138, plus strand): 5'-GAGTACATGTGATGCAGAAAAGTCTTACGAAGTATTACTGAGCTTTGTGATAAGTGAACT[A>G]TTTAAAGGAAAGTTATACCATGAAGAAGGAACTCAGGAATGTGCAATGGTATGTTTCTGC-3'
Protein context (NP_742067.3, residues 1605-1625): EVLLSFVISE[Leu1615=]FKGKLYHEEG

ClinVar aggregate classification (germline): Benign (0 of 4 stars; one submission).

Conditions:
UBR3-related disorder. Also called: UBR3-related condition.

Allele frequency attached by ClinVar (database versions not stated): gnomAD 0.27513; gnomAD exomes 0.26151; TOPMed 0.26864; ESP Exome Variant Server 0.27957; ExAC 0.28134; 1000 Genomes Project 30x 0.32620; 1000 Genomes Project 0.33207.
gnomAD v4.1: 420,987 of 1,598,582 alleles (26%); highest among the groups gnomAD compares: South Asian, 40%; 57,783 homozygotes.

Submission:

PreventionGenetics, part of Exact Sciences
Classification: Benign for UBR3-related condition. Last evaluated: 2019-10-21. Review status: no assertion criteria provided. Collection method: clinical testing. Allele origin: germline.
Comment: This variant is classified as benign based on ACMG/AMP sequence variant interpretation guidelines (Richards et al. 2015 PMID: 25741868, with internal and published modifications).